The following is an entry in ClinVar:

ClinVar aggregate classification (germline): Conflicting classifications of pathogenicity. Review status: criteria provided, conflicting classifications (1 of 4 stars). 2 submissions from 2 submitters: Pathogenic (1); Uncertain significance (1). Last evaluated 2023-11-05.

Allele frequency attached by ClinVar (database versions not stated): ExAC 0.00001; gnomAD exomes 0.00001.
gnomAD v4.1: 13 of 1,211,564 alleles (0.0011%); highest among the groups gnomAD compares: Admixed American, 0.0022%; no homozygotes.

Submissions (2):

Labcorp Genetics (formerly Invitae), Labcorp
Classification: Pathogenic. Last evaluated: 2023-11-05. Review status: criteria provided, single submitter. Criteria: Invitae Variant Classification Sherloc (09022015). Collection method: clinical testing. Allele origin: germline.
Comment: This sequence change creates a premature translational stop signal (p.Arg15*) in the DRP2 gene. It is expected to result in an absent or disrupted protein product. Loss-of-function variants in DRP2 are known to be pathogenic (PMID: 22764250, 26227883). This variant is present in population databases (rs756695526, gnomAD 0.001%). This variant has not been reported in the literature in individuals affected with DRP2-related conditions. ClinVar contains an entry for this variant (Variation ID: 807792). For these reasons, this variant has been classified as Pathogenic.

CeGaT Center for Human Genetics Tuebingen
Classification: Uncertain significance. Last evaluated: 2022-10-01. Review status: criteria provided, single submitter. Criteria: CeGaT Center For Human Genetics Tuebingen Variant Classification Criteria Version 2. Collection method: clinical testing. Allele origin: germline. Affected: yes. Observed: 3 variant alleles.
Comment: DRP2: PM2

Literature cited by the submitters: PubMed 22764250 (cited by Labcorp Genetics (formerly Invitae), Labcorp); PubMed 26227883 (cited by Labcorp Genetics (formerly Invitae), Labcorp).

NM_001939.3(DRP2):c.43C>T (p.Arg15Ter)

Gene: DRP2 (dystrophin related protein 2; plus strand). Cytogenetic location: Xq22.1.
Variant type: single nucleotide variant.
Coding change: c.43C>T on transcript NM_001939.3 (MANE Select); coding-DNA position 43, C replaced by T.
Protein change: p.Arg15Ter; replaces arginine 15 with a stop codon.
Molecular consequence: nonsense. On other transcripts: intron variant (1).
Genome position (GRCh38, 1-based): chrX:101,231,690, C>T. VCF-style: chrX-101231690-C-T. GRCh37 (hg19) VCF-style: chrX-100486679-C-T.
Other names: c.-117-4170C>T (NM_001171184.2); short protein forms R15*.
Identifiers: ClinVar variation 807792 (VCV000807792.45), dbSNP rs756695526, ClinGen allele CA10471989.
Genomic context (GRCh38, chrX:101,231,690, plus strand): 5'-CCATGAGCCTTGGTTTTTATGCAACCTATGGTCATGCAGGGATGCCCTTACACCCTCCCA[C>T]GATGTCATGACTGGCAGGCAGCTGACCAGTTCCATCATAGCAGCAGCCTCCGAAGCACCT-3'